The following is an entry in ClinVar:

ClinVar aggregate classification (germline): Uncertain significance. Review status: criteria provided, multiple submitters, no conflicts (2 of 4 stars). 5 submissions from 5 submitters: Uncertain significance (5). Last evaluated 2025-09-02.

Conditions:
Autosomal recessive nonsyndromic hearing loss 2. Also called: NEUROSENSORY NONSYNDROMIC RECESSIVE DEAFNESS 2; DEAFNESS, AUTOSOMAL RECESSIVE 2. Identifiers: Orphanet 90636, MedGen C1838701, MONDO:0010807, OMIM 600060.
Usher syndrome type 1 (USH1). Also called: RETINITIS PIGMENTOSA AND CONGENITAL DEAFNESS. Identifiers: Orphanet 231169, Orphanet 886, MedGen C1568247, MONDO:0010168, OMIM 276900.
Autosomal dominant nonsyndromic hearing loss 11. Identifiers: Orphanet 90635, MedGen C1832475, MONDO:0011032, OMIM 601317.

Allele frequency attached by ClinVar (database versions not stated): TOPMed below 0.00001; gnomAD 0.00001; gnomAD exomes 0.00001.
gnomAD v4.1: 13 of 1,613,856 alleles (0.00081%); highest among the groups gnomAD compares: Non-Finnish European, 0.0011%; no homozygotes.

Submissions (5):

Labcorp Genetics (formerly Invitae), Labcorp
Classification: Uncertain significance. Last evaluated: 2025-09-02. Review status: criteria provided, single submitter. Criteria: Invitae Variant Classification Sherloc (09022015). Collection method: clinical testing. Allele origin: germline.
Comment: This sequence change replaces leucine, which is neutral and non-polar, with tryptophan, which is neutral and slightly polar, at codon 190 of the MYO7A protein (p.Leu190Trp). This variant is present in population databases (no rsID available, gnomAD 0.0009%). This missense change has been observed in individual(s) with Usher syndrome (PMID: 22135276). ClinVar contains an entry for this variant (Variation ID: 1375177). Invitae Evidence Modeling of protein sequence and biophysical properties (such as structural, functional, and spatial information, amino acid conservation, physicochemical variation, residue mobility, and thermodynamic stability) indicates that this missense variant is expected to disrupt MYO7A protein function with a positive predictive value of 95%. In summary, the available evidence is currently insufficient to determine the role of this variant in disease. Therefore, it has been classified as a Variant of Uncertain Significance.

Blueprint Genetics
Classification: Uncertain significance. Last evaluated: 2024-10-17. Review status: criteria provided, single submitter. Criteria: ACMG Guidelines, 2015. Collection method: clinical testing. Allele origin: germline.

GeneDx
Classification: Uncertain significance. Last evaluated: 2024-08-02. Review status: criteria provided, single submitter. Criteria: GeneDx Variant Classification Process June 2021. Collection method: clinical testing. Allele origin: germline. Affected: yes.
Comment: Not observed at significant frequency in large population cohorts (gnomAD); In silico analysis supports that this missense variant has a deleterious effect on protein structure/function; This variant is associated with the following publications: (PMID: 22135276, 38351866, 38884554)

Genomic Medicine Center of Excellence, King Faisal Specialist Hospital and Research Centre
Classification: Uncertain significance for Usher syndrome type 1. Last evaluated: 2024-03-29. Review status: criteria provided, single submitter. Criteria: ACMG Guidelines, 2015. Collection method: clinical testing. Allele origin: germline.

Fulgent Genetics
Classification: Uncertain significance for Usher syndrome type 1; Autosomal recessive nonsyndromic hearing loss 2; Autosomal dominant nonsyndromic hearing loss 11. Last evaluated: 2021-11-29. Review status: criteria provided, single submitter. Criteria: ACMG Guidelines, 2015. Collection method: clinical testing. Allele origin: unknown.

Literature cited by the submitters: PubMed 22135276 (cited by Labcorp Genetics (formerly Invitae), Labcorp).

NM_000260.4(MYO7A):c.569T>G (p.Leu190Trp)

Gene: MYO7A (myosin VIIA; plus strand). Cytogenetic location: 11q13.5.
Variant type: single nucleotide variant.
Coding change: c.569T>G on transcript NM_000260.4 (MANE Select); coding-DNA position 569, T replaced by G.
Protein change: p.Leu190Trp; replaces leucine 190 with tryptophan.
Molecular consequence: missense variant.
Genome position (GRCh38, 1-based): chr11:77,156,758, T>G. VCF-style: chr11-77156758-T-G. GRCh37 (hg19) VCF-style: chr11-76867804-T-G.
Other names: c.569T>G (NM_000260.3); c.569T>G, p.Leu190Trp (NM_001127180.2); c.536T>G, p.Leu179Trp (NM_001369365.1); short protein forms L190W, L179W.
Identifiers: ClinVar variation 1375177 (VCV001375177.8), dbSNP rs1010166278, ClinGen allele CA224827064.